The following is an entry in ClinVar:

NC_000019.9:g.(?_33968932)_(33969016_?)del

Gene: PEPD (peptidase D; minus strand). Cytogenetic location: 19q13.11.
Variant type: Deletion.
Identifiers: ClinVar variation 1470569 (VCV001470569.5).

ClinVar aggregate classification (germline): Pathogenic (1 of 4 stars; one submission).

Submission:

Labcorp Genetics (formerly Invitae), Labcorp
Classification: Pathogenic. Last evaluated: 2023-09-29. Review status: criteria provided, single submitter. Criteria: Invitae Variant Classification Sherloc (09022015). Collection method: clinical testing. Allele origin: germline.
Comment: This variant is a gross deletion of the genomic region encompassing exon(s) 7 of the PEPD gene. This variant would be expected to be in-frame, preserving the integrity of the reading frame. A similar copy number variant has been observed in individual(s) with clinical features of PEPD-related conditions and/or clinical features of prolidase deficiency (Invitae). In at least one individual the data is consistent with being in trans (on the opposite chromosome) from a pathogenic variant. Experimental studies and prediction algorithms are not available or were not evaluated, and the functional significance of this variant is currently unknown. For these reasons, this variant has been classified as Pathogenic.